The following is an entry in ClinVar:

NM_007294.4(BRCA1):c.4096+6G>A

Genes: BRCA1 (BRCA1 DNA repair associated; minus strand), LOC126862571 (BRD4-independent group 4 enhancer GRCh37_chr17:41243136-41244335; plus strand). Cytogenetic location: 17q21.31.
Variant type: single nucleotide variant.
Coding change: c.4096+6G>A on transcript NM_007294.4 (MANE Select); 6 bases into the intron after coding-DNA position 4096, G replaced by A.
Molecular consequence: intron variant.
Genome position (GRCh38, 1-based): chr17:43,091,429, C>T on the plus strand (G>A on the coding strand, the complement: BRCA1 is on the minus strand). VCF-style: chr17-43091429-C-T. GRCh37 (hg19) VCF-style: chr17-41243446-C-T.
Other names: c.3973+6G>A (NM_001407679.1, NM_001407938.1, NM_001407674.1 and 19 more transcripts); c.665-397G>A (NM_001408437.1, NM_001408429.1, NM_001408442.1 and 12 more transcripts); c.788-397G>A (NM_001408472.1, NM_001407979.1, NM_001407977.1 and 17 more transcripts); c.4096+6G>A (NM_001407642.1, NM_001407621.1, NM_001407593.1 and 30 more transcripts); c.671-397G>A (NM_001408423.1, NM_001408420.1, NM_001408419.1 and 2 more transcripts); c.647-397G>A (NM_001408410.1, NM_001408458.1, NM_001408469.1 and 11 more transcripts); c.3952+6G>A (NM_001407741.1, NM_001407747.1, NM_001407848.1 and 20 more transcripts); c.710-397G>A (NM_001408415.1, NM_001408412.1, NM_001408409.1 and 2 more transcripts); and 41 more.
Identifiers: ClinVar variation 409367 (VCV000409367.8), dbSNP rs776270258, ClinGen allele CA058950.

ClinVar aggregate classification (germline): Uncertain significance (1 of 4 stars; one submission).

Conditions:
Hereditary breast ovarian cancer syndrome. Also called: Hereditary breast and ovarian cancer; Hereditary breast and/or ovarian cancer syndrome; BRCA1- and BRCA2-Associated Hereditary Breast and Ovarian Cancer; Hereditary breast and ovarian cancer syndrome; Hereditary breast and ovarian cancer syndrome (HBOC); Breast and ovarian cancer. Identifiers: Orphanet 145, MedGen C0677776, MeSH D061325, MONDO:0003582. Disease mechanism: loss of function.

Allele frequency attached by ClinVar (database versions not stated): ExAC 0.00001; gnomAD exomes 0.00001.

Submission:

Labcorp Genetics (formerly Invitae), Labcorp
Classification: Uncertain significance for Hereditary breast ovarian cancer syndrome. Last evaluated: 2016-12-04. Review status: criteria provided, single submitter. Criteria: Invitae Variant Classification Sherloc (09022015). Collection method: clinical testing. Allele origin: germline.
Comment: This sequence change falls in intron 10 of the BRCA1 gene. It does not directly change the encoded amino acid sequence of the BRCA1 protein. In summary, this is a rare intronic change with uncertain impact on splicing. It has been classified as a Variant of Uncertain Significance. Algorithms developed to predict the effect of sequence changes on RNA splicing suggest that this variant may alter RNA splicing, but this prediction has not been confirmed by published transcriptional studies. This variant has not been reported in the literature in individuals with a BRCA1-related disease, but has been reported in an individual affected with breast cancer in the Leiden Open-source Variation Database (PMID: 21520333). This variant is present in population databases (rs776270258, ExAC 0.001%).

Literature cited by the submitters: PubMed 21520333.